The following is an entry in ClinVar:

ClinVar aggregate classification (germline): Likely benign (1 of 4 stars; one submission).

Conditions:
ITGA9-related disorder. Also called: ITGA9-related condition.

gnomAD v4.1: 4 of 1,613,924 alleles (0.00025%); highest among the groups gnomAD compares: Non-Finnish European, 0.00034%; no homozygotes.

Submission:

PreventionGenetics, part of Exact Sciences
Classification: Likely benign for ITGA9-related condition. Last evaluated: 2025-08-08. Review status: criteria provided, single submitter. Criteria: ACMG Guidelines, 2015. Collection method: clinical testing. Allele origin: germline.
Comment: This variant is classified as likely benign based on ACMG/AMP sequence variant interpretation guidelines (Richards et al. 2015 PMID: 25741868, with internal and published modifications).

NM_002207.3(ITGA9):c.3009+7C>A

Genes: ITGA9 (integrin subunit alpha 9; plus strand), ITGA9-AS1 (ITGA9 antisense RNA 1; minus strand). Cytogenetic location: 3p22.2.
Variant type: single nucleotide variant.
Coding change: c.3009+7C>A on transcript NM_002207.3 (MANE Select); 7 bases into the intron after coding-DNA position 3009, C replaced by A.
Molecular consequence: intron variant.
Genome position (GRCh38, 1-based): chr3:37,803,949, C>A. VCF-style: chr3-37803949-C-A. GRCh37 (hg19) VCF-style: chr3-37845440-C-A.
Identifiers: ClinVar variation 4982056 (VCV004982056.1).